The following continues an entry in ClinVar:

NM_007294.4(BRCA1):c.302-2del

Gene: BRCA1. ClinVar aggregate classification (germline): Pathogenic. Pathogenic (1).

Submissions 8 to 14 of 14:

Laboratory for Molecular Medicine, Mass General Brigham Personalized Medicine
Classification: Pathogenic for Hereditary breast ovarian cancer syndrome. Last evaluated: 2018-03-16. Review status: criteria provided, single submitter. Criteria: LMM Criteria. Collection method: clinical testing. Allele origin: germline. Inheritance: Autosomal dominant inheritance. Observed: 3 variant alleles. Not counted in ClinVar's aggregate classification.
Comment: The c.302-2delA variant in BRCA1 has been reported in at least 16 individuals wi th breast and/or ovarian cancer (Shattuck-Eidens 1997, Gayther 1999, Southey 200 3, Chen 2006, Borg 2010, BIC database) and segregated with disease in at least 9 affected relatives from 1 family (Southey 2003). This variant has also been reported by other clinical laboratories in C linVar (Variation ID# 54753) and was absent from large population databases. Th e c.302-2delA variant occurs in the invariant region (+/- 1,2) of the splice con sensus sequence and is predicted to cause altered splicing leading to an abnorma l or absent protein. In vitro studies as well as sequencing of cDNA from individ uals with this variant showed that it leads to activation of a cryptic splice si te, leading to 10 bp frameshift at the beginning of the next exon and resulting in the addition of 14 new amino acid residues and a premature stop codon (Chen 2 006). In summary, this variant meets criteria to be classified as pathogenic for hereditary breast and ovarian cancer (HBOC) in an autosomal dominant manner bas ed upon presence in multiple affected individuals, segregation studies, absence from the general population, functional evidence, and predicted impact on the pr otein. ACMG/AMP Criteria applied (Richards 2015): PVS1, PS4, PP1_Strong.

Quest Diagnostics Nichols Institute San Juan Capistrano
Classification: Pathogenic. Last evaluated: 2016-11-17. Review status: criteria provided, single submitter. Criteria: Quest Diagnostics criteria. Collection method: clinical testing. Allele origin: germline. Not counted in ClinVar's aggregate classification.

Consortium of Investigators of Modifiers of BRCA1/2 (CIMBA), c/o University of Cambridge
Classification: Pathogenic for Breast-ovarian cancer, familial, susceptibility to, 1. Last evaluated: 2015-10-02. Review status: criteria provided, single submitter. Criteria: CIMBA Mutation Classification guidelines May 2016. Collection method: clinical testing. Allele origin: germline. Not counted in ClinVar's aggregate classification.

Research Molecular Genetics Laboratory, Women's College Hospital, University of Toronto
Classification: Pathogenic for Hereditary breast ovarian cancer syndrome. Last evaluated: 2014-01-31. Review status: no assertion criteria provided. Collection method: research. Allele origin: germline. Affected: yes. Study: The Canadian Open Genetics Repository (COGR). Not counted in ClinVar's aggregate classification.

Sharing Clinical Reports Project (SCRP)
Classification: Pathogenic for Breast-ovarian cancer, familial 1. Last evaluated: 2013-03-14. Review status: no assertion criteria provided. Collection method: clinical testing. Allele origin: germline. Not counted in ClinVar's aggregate classification.

Foulkes Cancer Genetics LDI, Lady Davis Institute for Medical Research
Classification: Pathogenic for Breast and/or ovarian cancer. Last evaluated: 2011-08-22. Review status: no assertion criteria provided. Collection method: clinical testing. Allele origin: germline. Study: The Canadian Open Genetics Repository (COGR). Not counted in ClinVar's aggregate classification.

Breast Cancer Information Core (BIC) (BRCA1)
Classification: Pathogenic for Breast-ovarian cancer, familial 1. Last evaluated: 2002-05-29. Review status: no assertion criteria provided. Collection method: clinical testing. Allele origin: germline. Affected: yes. Observed: 11 variant alleles. Not counted in ClinVar's aggregate classification.

Literature cited by the submitters: PubMed 31131967 (cited by Evidence-based Network for the Interpretation of Germline Mutant Alleles (ENIGMA) and Ambry Genetics); PubMed 9333265 (cited by 4 submitters); PubMed 10486320 (cited by 4 submitters); PubMed 12815598 (cited by 4 submitters); PubMed 16619214 (cited by 5 submitters); PubMed 20104584 (cited by 5 submitters); PubMed 16211554 (cited by 3 submitters); PubMed 29446198 (cited by 3 submitters); PubMed 16267036 (cited by Women's Health and Genetics/Laboratory Corporation of America, LabCorp).